The following is an entry in ClinVar:

ClinVar aggregate classification (germline): Uncertain significance. Review status: criteria provided, multiple submitters, no conflicts (2 of 4 stars). 2 submissions from 2 submitters: Uncertain significance (2). Last evaluated 2025-05-06.

Conditions:
Inborn genetic diseases. Identifiers: MedGen C0950123, MeSH D030342.

gnomAD v4.1: 2 of 1,611,658 alleles (0.00012%); highest among the groups gnomAD compares: Non-Finnish European, 0.00017%; no homozygotes.

Submissions (2):

Ambry Genetics
Classification: Uncertain significance for Inborn genetic diseases. Last evaluated: 2025-05-06. Review status: criteria provided, single submitter. Criteria: Ambry Variant Classification Scheme 2023. Collection method: clinical testing. Allele origin: germline.

GeneDx
Classification: Uncertain significance. Last evaluated: 2024-12-12. Review status: criteria provided, single submitter. Criteria: GeneDx Variant Classification Process June 2021. Collection method: clinical testing. Allele origin: germline. Affected: yes.
Comment: Not observed at significant frequency in large population cohorts (gnomAD); In silico analysis supports that this missense variant has a deleterious effect on protein structure/function; Has not been previously published as pathogenic or benign to our knowledge

NM_001329943.3(KIAA0586):c.1966C>G (p.Arg656Gly)

Gene: KIAA0586 (KIAA0586; plus strand). Cytogenetic location: 14q23.1.
Variant type: single nucleotide variant.
Coding change: c.1966C>G on transcript NM_001329943.3 (MANE Select); coding-DNA position 1966, C replaced by G.
Protein change: p.Arg656Gly; replaces arginine 656 with glycine.
Molecular consequence: missense variant.
Genome position (GRCh38, 1-based): chr14:58,461,067, C>G. VCF-style: chr14-58461067-C-G. GRCh37 (hg19) VCF-style: chr14-58927785-C-G.
Other names: c.2125C>G, p.Arg709Gly (NM_001244189.2); c.1921C>G, p.Arg641Gly (NM_001244190.2); c.1711C>G, p.Arg571Gly (NM_001244191.2, NM_001329945.2, NM_001364700.1 and 1 more transcripts); c.1834C>G, p.Arg612Gly (NM_001244192.2); c.1546C>G, p.Arg516Gly (NM_001244193.2); c.1966C>G, p.Arg656Gly (NM_001329944.2, NM_001329946.2, NM_001329947.2); c.1738C>G, p.Arg580Gly (NM_014749.5); c.1738C>G (NM_014749.3); short protein forms R516G, R571G, R580G, R612G, R641G, R656G, R709G.
Identifiers: ClinVar variation 3903015 (VCV003903015.2).
Genomic context (GRCh38, chr14:58,461,067, plus strand): 5'-GTAATACAAGATGAAGATTATATGTTACAAGTCTATGGAAAGCCAGTTTATCAGGGCCAT[C>G]GAAGCACTCTTAAAAAAGGACCATATCTCAGATTTAATTCTCCATCTCCTAAGTCCAGAC-3'
Protein context (NP_001316872.1, residues 646-666): VYGKPVYQGH[Arg656Gly]STLKKGPYLR